The following is an entry in ClinVar:

NM_001754.5(RUNX1):c.204C>T (p.Ala68=)

Gene: RUNX1 (RUNX family transcription factor 1; minus strand). Cytogenetic location: 21q22.12.
Variant type: single nucleotide variant.
Coding change: c.204C>T on transcript NM_001754.5 (MANE Select); coding-DNA position 204, C replaced by T.
Protein change: p.Ala68=; no amino-acid change (alanine 68 retained).
Molecular consequence: synonymous variant.
Genome position (GRCh38, 1-based): chr21:34,886,990, G>A on the plus strand (C>T on the coding strand, the complement: RUNX1 is on the minus strand). VCF-style: chr21-34886990-G-A. GRCh37 (hg19) VCF-style: chr21-36259287-G-A.
Other names: NM_001754.5(RUNX1):c.204C>T; p.Ala68=; c.123C>T, p.Ala41= (NM_001001890.3, NM_001122607.2).
Identifiers: ClinVar variation 2741543 (VCV002741543.5), dbSNP rs746342521, ClinGen allele CA320642815.
Genomic context (GRCh38, chr21:34,886,990, plus strand): 5'-CTCGCCCGGGTGGTCGGCCAGCACCTCCACCATGCTGCGGTCGCCGCTCCTCAGCTTGCC[G>A]GCCAGGGCAGCGCCGGCGTCCGGGGCGCCCAGCGGCAACGCCTCGCTCATCTTGCCTGGG-3'
Protein context (NP_001745.2, residues 58-78): LGAPDAGAAL[Ala68=]GKLRSGDRSM

ClinVar aggregate classification (germline): Likely benign. Review status: reviewed by expert panel (3 of 4 stars). 3 submissions from 3 submitters: Likely benign (1). 2 of the submissions do not count toward it. Last evaluated 2024-09-18.

Conditions:
Inborn genetic diseases. Identifiers: MedGen C0950123, MeSH D030342.
Hereditary thrombocytopenia and hematological cancer predisposition syndrome associated with RUNX1. Also called: Familial Platelet Disorder with Propensity to Acute Myelogenous Leukemia; Familial thrombocytopenia with propensity to acute myelogenous leukemia; PLATELET DISORDER, ASPIRIN-LIKE; RUNX1 Familial Platelet Disorder with Associated Myeloid Malignancies. Identifiers: Orphanet 71290, MedGen C1832388, MeSH C563324, MONDO:0100083, OMIM 601399.
Hereditary thrombocytopenia and hematologic cancer predisposition syndrome. Identifiers: Orphanet 71290, MedGen CN281654, MONDO:0011071.

gnomAD v4.1: 4 of 1,606,566 alleles (0.00025%); highest among the groups gnomAD compares: Non-Finnish European, 0.00025%; no homozygotes.

Submissions (3):

ClinGen Myeloid Malignancy Variant Curation Expert Panel
Classification: Likely benign for Hereditary thrombocytopenia and hematologic cancer predisposition syndrome. Last evaluated: 2024-09-18. Review status: reviewed by expert panel. Criteria: ClinGen MyeloMalig ACMG Specifications v2. Collection method: curation. Allele origin: germline. Inheritance: Autosomal dominant inheritance.
Comment: NM_001754.5(RUNX1):c.204C>T (p.Ala68=) is a synonymous variant which has a SpliceAI score ≤ 0.20 (0.01) (BP4). This variant has a SpliceAI score ≤ 0.20 (0.01) and evolutionary conservation algorithms predict the site as not being conserved (PhyloP score ≤ 2.0 (1.85) (BP7). This variant is completely absent from all population databases with at least 20x coverage for RUNX1 (PM2_Supporting). In summary, this variant meets criteria to be classified as likely benign. ACMG/AMP criteria applied, as specified by the Myeloid Malignancy Variant Curation Expert Panel for RUNX1: BP4, BP7, PM2_supporting.

Ambry Genetics
Classification: Likely benign for Inborn genetic diseases. Last evaluated: 2026-02-25. Review status: criteria provided, single submitter. Criteria: Ambry Variant Classification Scheme 2023. Collection method: clinical testing. Allele origin: germline. Not counted in ClinVar's aggregate classification.

Labcorp Genetics (formerly Invitae), Labcorp
Classification: Likely benign for Hereditary thrombocytopenia and hematological cancer predisposition syndrome associated with RUNX1. Last evaluated: 2022-12-15. Review status: criteria provided, single submitter. Criteria: Invitae Variant Classification Sherloc (09022015). Collection method: clinical testing. Allele origin: germline. Not counted in ClinVar's aggregate classification.